The following is an entry in ClinVar:

ClinVar aggregate classification (germline): Conflicting classifications of pathogenicity. Review status: criteria provided, conflicting classifications (1 of 4 stars). 3 submissions from 3 submitters: Uncertain significance (2); Likely benign (1). Last evaluated 2023-11-20.

Conditions:
Familial thoracic aortic aneurysm and aortic dissection (TAAD). Also called: Thoracic aortic aneurysms and dissections. Identifiers: Orphanet 91387, MedGen C4707243, MONDO:0019625.
Ehlers-Danlos syndrome, type 4 (EDSVASC). Also called: Ehlers-Danlos Syndrome Type IV; Ehlers-Danlos syndrome vascular type; Ehlers Danlos syndrome, ecchymotic type; Ehlers Danlos syndrome, arterial type; Ehlers Danlos syndrome, Sack-Barabas type. Identifiers: Orphanet 286, MedGen C0268338, MONDO:0017314, OMIM 130050.

Allele frequency attached by ClinVar (database versions not stated): gnomAD exomes below 0.00001; ExAC 0.00001.
gnomAD v4.1: 3 of 1,613,154 alleles (0.00019%); highest among the groups gnomAD compares: Non-Finnish European, 0.00017%; no homozygotes.

Submissions (3):

All of Us Research Program, National Institutes of Health
Classification: Uncertain significance for Ehlers-Danlos syndrome, type 4. Last evaluated: 2023-11-20. Review status: criteria provided, single submitter. Criteria: ACMG Guidelines, 2015. Collection method: clinical testing. Allele origin: germline. Inheritance: Autosomal dominant inheritance. Observed: 1 variant allele, 1 heterozygote.
Comment: This missense variant replaces proline with threonine at codon 869 of the COL3A1 protein. Computational prediction tools and conservation analyses are inconclusive regarding the impact of this variant on the protein function. Computational splicing tools suggest that this variant may not impact RNA splicing. To our knowledge, functional assays have not been performed for this variant nor has this variant been reported in individuals affected with cardiovascular disorders in the literature. This variant has been identified in 1/251232 chromosomes in the general population by the Genome Aggregation Database (gnomAD). Available evidence is insufficient to determine the role of this variant in disease conclusively. Therefore, this variant is classified as a Variant of Uncertain Significance.

This study involves interpretation of variants in research participants for the purpose of population health screening. Participant phenotype was not available at the time of variant classification. Additional details can be found in publication PMID: 35346344, PMCID: PMC8962531

Color Diagnostics, LLC DBA Color Health
Classification: Uncertain significance for Familial thoracic aortic aneurysm and aortic dissection. Last evaluated: 2023-10-25. Review status: criteria provided, single submitter. Criteria: ACMG Guidelines, 2015. Collection method: clinical testing. Allele origin: germline.
Comment: This missense variant replaces proline with threonine at codon 869 of the COL3A1 protein. Computational prediction is inconclusive regarding the impact of this variant on protein structure and function (internally defined REVEL score threshold 0.5 < inconclusive < 0.7, PMID: 27666373). To our knowledge, functional studies have not been reported for this variant. This variant has not been reported in individuals affected with COL3A1-related disorders in the literature. This variant has been identified in 1/251232 chromosomes in the general population by the Genome Aggregation Database (gnomAD). The available evidence is insufficient to determine the role of this variant in disease conclusively. Therefore, this variant is classified as a Variant of Uncertain Significance.

Labcorp Genetics (formerly Invitae), Labcorp
Classification: Likely benign for Ehlers-Danlos syndrome, type 4. Last evaluated: 2023-10-17. Review status: criteria provided, single submitter. Criteria: Invitae Variant Classification Sherloc (09022015). Collection method: clinical testing. Allele origin: germline.

NM_000090.4(COL3A1):c.2605C>A (p.Pro869Thr)

Gene: COL3A1 (collagen type III alpha 1 chain; plus strand). Cytogenetic location: 2q32.2.
Variant type: single nucleotide variant.
Coding change: c.2605C>A on transcript NM_000090.4 (MANE Select); coding-DNA position 2605, C replaced by A.
Protein change: p.Pro869Thr; replaces proline 869 with threonine.
Molecular consequence: missense variant.
Genome position (GRCh38, 1-based): chr2:189,003,462, C>A. VCF-style: chr2-189003462-C-A. GRCh37 (hg19) VCF-style: chr2-189868188-C-A.
Other names: short protein forms P869T.
Identifiers: ClinVar variation 924444 (VCV000924444.15), dbSNP rs758992360, ClinGen allele CA075429.